The following is an entry in ClinVar:

NM_001267550.2(TTN):c.103000G>A (p.Val34334Met)

Genes: TTN-AS1 (TTN antisense RNA 1; plus strand), TTN (titin; minus strand). Cytogenetic location: 2q31.2.
Variant type: single nucleotide variant.
Coding change: c.103000G>A on transcript NM_001267550.2 (MANE Select); coding-DNA position 103000, G replaced by A.
Protein change: p.Val34334Met; replaces valine 34334 with methionine.
Molecular consequence: missense variant.
Genome position (GRCh38, 1-based): chr2:178,533,615, C>T on the plus strand (G>A on the coding strand, the complement: TTN is on the minus strand). VCF-style: chr2-178533615-C-T. GRCh37 (hg19) VCF-style: chr2-179398342-C-T.
Other names: c.98077G>A, p.Val32693Met (NM_001256850.1); c.75805G>A, p.Val25269Met (NM_003319.4); c.95296G>A, p.Val31766Met (NM_133378.4); c.76180G>A, p.Val25394Met (NM_133432.3); c.76381G>A, p.Val25461Met (NM_133437.4); short protein forms V32693M, V34334M, V25461M, V25269M, V25394M, V31766M.
Identifiers: ClinVar variation 2921628 (VCV002921628.3), dbSNP rs2468500741, ClinGen allele CA349415549.
Genomic context (GRCh38, chr2:178,533,615, plus strand): 5'-GGTGTAGGGTTACTGTCAGCTTTGCTTTACAGCTGTCTTCACCATATTTGTTCCTTGCCA[C>T]AACAGTATATTCAGCGTCATCATCTGTAGTGACACTGTTGATTGTTAATTGGTAAAGACC-3'
Protein context (NP_001254479.2, residues 34324-34344): TTDDDAEYTV[Val34334Met]ARNKYGEDSC

ClinVar aggregate classification (germline): Uncertain significance (1 of 4 stars; one submission).

Conditions:
Dilated cardiomyopathy 1G (CMD1G). Identifiers: Orphanet 154, MedGen C1858763, MONDO:0011400, OMIM 604145.
Autosomal recessive limb-girdle muscular dystrophy type 2J (LGMDR10). Also called: Limb-girdle muscular dystrophy, type 2J; MUSCULAR DYSTROPHY, LIMB-GIRDLE, AUTOSOMAL RECESSIVE 10. Identifiers: Orphanet 140922, MedGen C1837342, MONDO:0012127, OMIM 608807.

Submission:

Labcorp Genetics (formerly Invitae), Labcorp
Classification: Uncertain significance for Dilated cardiomyopathy 1G; Autosomal recessive limb-girdle muscular dystrophy type 2J. Last evaluated: 2023-12-22. Review status: criteria provided, single submitter. Criteria: Invitae Variant Classification Sherloc (09022015). Collection method: clinical testing. Allele origin: germline.
Comment: This sequence change replaces valine, which is neutral and non-polar, with methionine, which is neutral and non-polar, at codon 34334 of the TTN protein (p.Val34334Met). This variant is not present in population databases (gnomAD no frequency). This variant has not been reported in the literature in individuals affected with TTN-related conditions. Experimental studies and prediction algorithms are not available or were not evaluated, and the functional significance of this variant is currently unknown. This variant is located in the M band of TTN (PMID: 25589632). Non-truncating variants in this region may be relevant for neuromuscular disorders, but have not been definitively shown to cause cardiomyopathy (PMID: 23975875). In summary, the available evidence is currently insufficient to determine the role of this variant in disease. Therefore, it has been classified as a Variant of Uncertain Significance.

Literature cited by the submitters: PubMed 25589632; PubMed 23975875.